The following is an entry in ClinVar:

NM_004287.5(GOSR2):c.430G>T (p.Gly144Trp)

Genes: GOSR2 (golgi SNAP receptor complex member 2; plus strand), LRRC37A2 (leucine rich repeat containing 37 member A2). Cytogenetic location: 17q21.32.
Variant type: single nucleotide variant.
Coding change: c.430G>T on transcript NM_004287.5 (MANE Select); coding-DNA position 430, G replaced by T.
Protein change: p.Gly144Trp; replaces glycine 144 with tryptophan.
Molecular consequence: missense variant. On other transcripts: non-coding transcript variant (1), intron variant (4).
Genome position (GRCh38, 1-based): chr17:46,935,122, G>T. VCF-style: chr17-46935122-G-T. GRCh37 (hg19) VCF-style: chr17-45012488-G-T.
Other names: c.430G>T, p.Gly144Trp (NM_001012511.3, NM_001321133.2, NM_054022.4); c.427G>T, p.Gly143Trp (NM_001353114.2); c.376G>T, p.Gly126Trp (NM_001363851.2); c.282+2923G>T (NM_001321134.2); c.336+2923G>T (NM_001330252.2); c.333+2923G>T (NM_001353115.2, NM_001353116.2); short protein forms G144W, G126W, G143W.
Identifiers: ClinVar variation 30406 (VCV000030406.55), dbSNP rs387906881, ClinGen allele CA129191.

ClinVar aggregate classification (germline): Pathogenic. Review status: criteria provided, multiple submitters, no conflicts (2 of 4 stars). 11 submissions from 10 submitters: Pathogenic (5). 6 of the submissions do not count toward it. Last evaluated 2025-12-22.

Conditions:
Muscular dystrophy, congenital, with or without seizures (MYOS). Identifiers: MedGen C5774274, MONDO:0859336, OMIM 620166.
Inborn genetic diseases. Identifiers: MedGen C0950123, MeSH D030342.
Muscular dystrophy. Identifiers: Orphanet 98473, MedGen C0026850, MeSH D009136, MONDO:0020121, HP:0003560.
Progressive myoclonic epilepsy. Also called: Myoclonus epilepsy; Progressive myoclonus epilepsy; Familial progressive myoclonic epilepsy; Myoclonic Epilepsies, Progressive. Identifiers: Orphanet 308, Orphanet 98261, MedGen C0751778, MONDO:0020074.
Progressive myoclonic epilepsy type 6. Identifiers: Orphanet 280620, MedGen C5190805, MONDO:0013526, OMIM 614018.

Allele frequency attached by ClinVar (database versions not stated): ExAC 0.00004; TOPMed 0.00004; gnomAD exomes 0.00006; gnomAD 0.00008 and 0.00009.
gnomAD v4.1: 91 of 1,613,834 alleles (0.0056%); highest among the groups gnomAD compares: Non-Finnish European, 0.0076%; no homozygotes.

Submissions (11):

Labcorp Genetics (formerly Invitae), Labcorp
Classification: Pathogenic for Progressive myoclonic epilepsy. Last evaluated: 2025-12-22. Review status: criteria provided, single submitter. Criteria: Invitae Variant Classification Sherloc (09022015). Collection method: clinical testing. Allele origin: germline.
Comment: This sequence change replaces glycine, which is neutral and non-polar, with tryptophan, which is neutral and slightly polar, at codon 144 of the GOSR2 protein (p.Gly144Trp). This variant is present in population databases (rs387906881, gnomAD 0.01%). This missense change has been observed in individuals with progressive myoclonic epilepsy (PMID: 21549339, 23449775). It has also been observed to segregate with disease in related individuals. ClinVar contains an entry for this variant (Variation ID: 30406). An algorithm developed to predict the effect of missense changes on protein structure and function (PolyPhen-2) suggests that this variant is likely to be disruptive. Experimental studies have shown that this missense change affects GOSR2 function (PMID: 21549339, 28982678). For these reasons, this variant has been classified as Pathogenic.

Ambry Genetics
Classification: Pathogenic for Inborn genetic diseases. Last evaluated: 2025-03-26. Review status: criteria provided, single submitter. Criteria: Ambry Variant Classification Scheme 2023. Collection method: clinical testing. Allele origin: germline.
Comment: The c.430G>T (p.G144W) alteration is located in exon 5 (coding exon 5) of the GOSR2 gene. This alteration results from a G to T substitution at nucleotide position 430, causing the glycine (G) at amino acid position 144 to be replaced by a tryptophan (W). Based on data from gnomAD, the T allele has an overall frequency of 0.007% (19/282846) total alleles studied. The highest observed frequency was 0.015% (19/129156) of European (non-Finnish) alleles. This variant has been identified in the homozygous state and/or in conjunction with other GOSR2 variant(s) in individual(s) with features consistent with GOSR2-related progressive myoclonic epilepsy and segregated with disease in at least one family (Corbett, 2011; Boiss&eacute; Lomax, 2013; van Egmond, 2014; Praschberger, 2015; Anderson, 2017; Polet, 2020). This amino acid position is highly conserved in available vertebrate species. This alteration is predicted to be deleterious by in silico analysis. Based on the available evidence, this alteration is classified as pathogenic.

GeneDx
Classification: Pathogenic. Last evaluated: 2023-02-15. Review status: criteria provided, single submitter. Criteria: GeneDx Variant Classification Process June 2021. Collection method: clinical testing. Allele origin: germline. Affected: yes.
Comment: Observed with a second variant on the opposite allele (in trans) in a patient in published literature (Larsen et al., 2018) with hypotonia, progressive muscle weakness, seizures, and -dystroglycan hypoglycosylation; Published functional studies demonstrate a damaging effect (Praschberger et al., 2017; Volker et al., 2017); Not observed at a significant frequency in large population cohorts (gnomAD); In silico analysis supports that this missense variant has a deleterious effect on protein structure/function; This variant is associated with the following publications: (PMID: 27342741, 21549339, 28978487, 28982678, 27618868, 24458321, 25326637, 23449775, 29431110, 28264719, 29855340, 31692161, 30363482, 32105965, 33639315)

Fulgent Genetics
Classification: Pathogenic for Progressive myoclonic epilepsy type 6. Last evaluated: 2021-08-06. Review status: criteria provided, single submitter. Criteria: ACMG Guidelines, 2015. Collection method: clinical testing. Allele origin: unknown.

CeGaT Center for Human Genetics Tuebingen
Classification: Pathogenic. Last evaluated: 2020-09-01. Review status: criteria provided, single submitter. Criteria: CeGaT Center For Human Genetics Tuebingen Variant Classification Criteria Version 2. Collection method: clinical testing. Allele origin: germline. Affected: yes. Observed: 1 variant allele.

OMIM
Classification: Pathogenic for EPILEPSY, PROGRESSIVE MYOCLONIC, 6. Last evaluated: 2014-01-01. Review status: no assertion criteria provided. Collection method: literature only. Allele origin: germline. Not counted in ClinVar's aggregate classification.

OMIM
Classification: Pathogenic for MUSCULAR DYSTROPHY, CONGENITAL, WITH OR WITHOUT SEIZURES. Last evaluated: 2014-01-01. Review status: no assertion criteria provided. Collection method: literature only. Allele origin: germline. Not counted in ClinVar's aggregate classification.

Clinical Genetics DNA and cytogenetics Diagnostics Lab, Erasmus MC, Erasmus Medical Center
Classification: Pathogenic. Review status: no assertion criteria provided. Collection method: clinical testing. Allele origin: germline. Affected: yes. Study: VKGL Data-share Consensus. Not counted in ClinVar's aggregate classification.

Diagnostic Laboratory, Department of Genetics, University Medical Center Groningen
Classification: Pathogenic for Progressive myoclonic epilepsy type 6. Review status: no assertion criteria provided. Collection method: clinical testing. Allele origin: germline. Affected: yes. Study: VKGL Data-share Consensus. Not counted in ClinVar's aggregate classification.

Genome Diagnostics Laboratory, University Medical Center Utrecht
Classification: Pathogenic. Review status: no assertion criteria provided. Collection method: clinical testing. Allele origin: germline. Affected: yes. Study: VKGL Data-share Consensus. Not counted in ClinVar's aggregate classification.

Joint Genome Diagnostic Labs from Nijmegen and Maastricht, Radboudumc and MUMC+
Classification: Pathogenic. Review status: no assertion criteria provided. Collection method: clinical testing. Allele origin: germline. Affected: yes. Study: VKGL Data-share Consensus. Not counted in ClinVar's aggregate classification.

Literature cited by the submitters: PubMed 21549339 (cited by 3 submitters); PubMed 23449775 (cited by Labcorp Genetics (formerly Invitae), Labcorp and Ambry Genetics); PubMed 28982678 (cited by Labcorp Genetics (formerly Invitae), Labcorp); PubMed 24458321 (cited by Ambry Genetics and OMIM); PubMed 30363482 (cited by Ambry Genetics); PubMed 30838261 (cited by Ambry Genetics); PubMed 32105965 (cited by Ambry Genetics); Tsai, L., Schwake, M., Corbett, M. A., Gecz, J., Berkovic, Shieh, P. B. GOSR 2: a novel form of congenital muscular dystrophy. (Abstract) Neuromusc. Disord. 23: 748-only, 2013. (cited by OMIM); PubMed 29855340 (cited by OMIM); PubMed 33639315 (cited by OMIM).